The following is an entry in ClinVar:

ClinVar aggregate classification (germline): Uncertain significance. Review status: criteria provided, multiple submitters, no conflicts (2 of 4 stars). 2 submissions from 2 submitters: Uncertain significance (2). Last evaluated 2021-08-27.

Conditions:
Hyper-IgM syndrome type 5 (HIGM5). Also called: Hyper-IgM Immunodeficiency Syndrome, Type 5. Identifiers: Orphanet 101092, MedGen C1720958, MONDO:0011971, OMIM 608106.

Allele frequency attached by ClinVar (database versions not stated): gnomAD 0.00001.

Submissions (2):

Labcorp Genetics (formerly Invitae), Labcorp
Classification: Uncertain significance for Hyper-IgM syndrome type 5. Last evaluated: 2021-08-27. Review status: criteria provided, single submitter. Criteria: Invitae Variant Classification Sherloc (09022015). Collection method: clinical testing. Allele origin: germline.
Comment: This sequence change falls in intron 5 of the UNG gene. It does not directly change the encoded amino acid sequence of the UNG protein. This variant is present in population databases (rs745983593, ExAC 0.03%). This variant has not been reported in the literature in individuals affected with UNG-related conditions. ClinVar contains an entry for this variant (Variation ID: 306975). Algorithms developed to predict the effect of sequence changes on RNA splicing suggest that this variant may disrupt the consensus splice site. In summary, the available evidence is currently insufficient to determine the role of this variant in disease. Therefore, it has been classified as a Variant of Uncertain Significance.

Illumina Laboratory Services, Illumina
Classification: Uncertain significance for Hyper-IgM syndrome type 5. Last evaluated: 2018-01-12. Review status: criteria provided, single submitter. Criteria: ICSL Variant Classification Criteria 13 December 2019. Collection method: clinical testing. Allele origin: germline.

NM_080911.3(UNG):c.623-9T>A

Gene: UNG (uracil DNA glycosylase; plus strand). Cytogenetic location: 12q24.11.
Variant type: single nucleotide variant.
Coding change: c.623-9T>A on transcript NM_080911.3 (MANE Select); 9 bases into the intron before coding-DNA position 623, T replaced by A.
Molecular consequence: intron variant.
Genome position (GRCh38, 1-based): chr12:109,103,424, T>A. VCF-style: chr12-109103424-T-A. GRCh37 (hg19) VCF-style: chr12-109541229-T-A.
Other names: c.596-9T>A (NM_003362.4).
Identifiers: ClinVar variation 306975 (VCV000306975.11), dbSNP rs745983593, ClinGen allele CA6772716.
Genomic context (GRCh38, chr12:109,103,424, plus strand): 5'-GCTCCTGTTGCTGGGTATTGGGCTGATTTGCCTGAGCCTACATTTAACCTGTTTCTCTCA[T>A]GTGTATAGGTGTTCTCCTTCTCAACGCTGTCCTCACGGTTCGTGCCCATCAAGCCAACTC-3'